The following is an entry in ClinVar:

ClinVar aggregate classification (germline): Uncertain significance (1 of 4 stars; one submission).

Submission:

GeneDx
Classification: Uncertain significance. Last evaluated: 2024-09-16. Review status: criteria provided, single submitter. Criteria: GeneDx Variant Classification Process June 2021. Collection method: clinical testing. Allele origin: germline. Affected: yes.
Comment: Not observed at significant frequency in large population cohorts (gnomAD); In silico analysis indicates that this missense variant does not alter protein structure/function; Has not been previously published as pathogenic or benign to our knowledge

NM_002473.6(MYH9):c.1910A>G (p.Lys637Arg)

Gene: MYH9 (myosin heavy chain 9; minus strand). Cytogenetic location: 22q12.3.
Variant type: single nucleotide variant.
Coding change: c.1910A>G on transcript NM_002473.6 (MANE Select); coding-DNA position 1910, A replaced by G.
Protein change: p.Lys637Arg; replaces lysine 637 with arginine.
Molecular consequence: missense variant.
Genome position (GRCh38, 1-based): chr22:36,306,541, T>C on the plus strand (A>G on the coding strand, the complement: MYH9 is on the minus strand). VCF-style: chr22-36306541-T-C. GRCh37 (hg19) VCF-style: chr22-36702587-T-C.
Other names: short protein forms K637R.
Identifiers: ClinVar variation 3769663 (VCV003769663.1).